The following is an entry in ClinVar:

NM_000170.3(GLDC):c.190G>T (p.Ala64Ser)

Gene: GLDC (glycine decarboxylase; minus strand). Cytogenetic location: 9p24.1.
Variant type: single nucleotide variant.
Coding change: c.190G>T on transcript NM_000170.3 (MANE Select); coding-DNA position 190, G replaced by T.
Protein change: p.Ala64Ser; replaces alanine 64 with serine.
Molecular consequence: missense variant.
Genome position (GRCh38, 1-based): chr9:6,645,310, C>A on the plus strand (G>T on the coding strand, the complement: GLDC is on the minus strand). VCF-style: chr9-6645310-C-A. GRCh37 (hg19) VCF-style: chr9-6645310-C-A.
Other names: short protein forms A64S.
Identifiers: ClinVar variation 462861 (VCV000462861.23), dbSNP rs141601131, ClinGen allele CA4981276.

ClinVar aggregate classification (germline): Conflicting classifications of pathogenicity. Review status: criteria provided, conflicting classifications (1 of 4 stars). 7 submissions from 7 submitters: Uncertain significance (2); Likely benign (4). 1 of the submissions does not count toward it. Last evaluated 2026-01-24.

Conditions:
Glycine encephalopathy 1 (GCE1). Identifiers: MedGen CN376801, MONDO:0958179, OMIM 605899.
Inborn genetic diseases. Identifiers: MedGen C0950123, MeSH D030342.
Glycine encephalopathy. Also called: Non-ketotic hyperglycinemia; Nonketotic hyperglycinemia. Identifiers: Orphanet 407, MedGen C0751748, MONDO:0011612, HP:0008288.
GLDC-related disorder. Also called: GLDC-related condition.

Allele frequency attached by ClinVar (database versions not stated): TOPMed 0.00030; 1000 Genomes Project 30x 0.00031.
gnomAD v4.1: 424 of 1,594,386 alleles (0.027%); highest among the groups gnomAD compares: Middle Eastern, 0.26%; 1 homozygote.

Submissions (7):

Labcorp Genetics (formerly Invitae), Labcorp
Classification: Likely benign for Glycine encephalopathy. Last evaluated: 2026-01-24. Review status: criteria provided, single submitter. Criteria: Invitae Variant Classification Sherloc (09022015). Collection method: clinical testing. Allele origin: germline.

Blueprint Genetics
Classification: Likely benign. Last evaluated: 2024-09-13. Review status: criteria provided, single submitter. Criteria: ACMG Guidelines, 2015. Collection method: clinical testing. Allele origin: germline.

Department of Pathology and Laboratory Medicine, Sinai Health System
Classification: Uncertain significance for Glycine encephalopathy 1. Last evaluated: 2023-02-28. Review status: criteria provided, single submitter. Criteria: ACMG Guidelines, 2015. Collection method: research. Allele origin: germline.

Ambry Genetics
Classification: Likely benign for Inborn genetic diseases. Last evaluated: 2021-06-23. Review status: criteria provided, single submitter. Criteria: Ambry Variant Classification Scheme 2023. Collection method: clinical testing. Allele origin: germline.

GeneDx
Classification: Likely benign. Last evaluated: 2020-01-21. Review status: criteria provided, single submitter. Criteria: GeneDx Variant Classification Process June 2021. Collection method: clinical testing. Allele origin: germline. Affected: yes.

Illumina Laboratory Services, Illumina
Classification: Uncertain significance for Glycine encephalopathy 1. Last evaluated: 2018-01-12. Review status: criteria provided, single submitter. Criteria: ICSL Variant Classification Criteria 13 December 2019. Collection method: clinical testing. Allele origin: germline.

PreventionGenetics, part of Exact Sciences
Classification: Likely benign for GLDC-related condition. Last evaluated: 2022-10-21. Review status: no assertion criteria provided. Collection method: clinical testing. Allele origin: germline. Not counted in ClinVar's aggregate classification.
Comment: This variant is classified as likely benign based on ACMG/AMP sequence variant interpretation guidelines (Richards et al. 2015 PMID: 25741868, with internal and published modifications).